The following is an entry in ClinVar:

NM_015340.4(LARS2):c.186G>A (p.Trp62Ter)

Gene: LARS2 (leucyl-tRNA synthetase 2, mitochondrial; plus strand). Cytogenetic location: 3p21.31.
Variant type: single nucleotide variant.
Coding change: c.186G>A on transcript NM_015340.4 (MANE Select); coding-DNA position 186, G replaced by A.
Protein change: p.Trp62Ter; replaces tryptophan 62 with a stop codon.
Molecular consequence: nonsense.
Genome position (GRCh38, 1-based): chr3:45,394,639, G>A. VCF-style: chr3-45394639-G-A. GRCh37 (hg19) VCF-style: chr3-45436131-G-A.
Other names: c.186G>A, p.Trp62Ter (NM_001368263.1); short protein forms W62*.
Identifiers: ClinVar variation 1407413 (VCV001407413.6), dbSNP rs2125672068, ClinGen allele CA352974769.

ClinVar aggregate classification (germline): Pathogenic (1 of 4 stars; one submission).

Submission:

Labcorp Genetics (formerly Invitae), Labcorp
Classification: Pathogenic. Last evaluated: 2022-01-04. Review status: criteria provided, single submitter. Criteria: Invitae Variant Classification Sherloc (09022015). Collection method: clinical testing. Allele origin: germline.
Comment: For these reasons, this variant has been classified as Pathogenic. This premature translational stop signal has been observed in individual(s) with Perrault syndrome (Invitae). This variant is not present in population databases (gnomAD no frequency). This sequence change creates a premature translational stop signal (p.Trp62*) in the LARS2 gene. It is expected to result in an absent or disrupted protein product. Loss-of-function variants in LARS2 are known to be pathogenic (PMID: 30737337).

Literature cited by the submitters: PubMed 30737337.